The following is an entry in ClinVar:

ClinVar aggregate classification (germline): Uncertain significance (1 of 4 stars; one submission).

Conditions:
Duchenne muscular dystrophy (DMD). Also called: MUSCULAR DYSTROPHY, PSEUDOHYPERTROPHIC PROGRESSIVE, DUCHENNE TYPE; Duchenne Muscular Dystrophy (DMD). Identifiers: Orphanet 98896, MedGen C0013264, MONDO:0010679, OMIM 310200.

Submission:

Labcorp Genetics (formerly Invitae), Labcorp
Classification: Uncertain significance for Duchenne muscular dystrophy. Last evaluated: 2023-03-24. Review status: criteria provided, single submitter. Criteria: Invitae Variant Classification Sherloc (09022015). Collection method: clinical testing. Allele origin: germline.
Comment: This variant has not been reported in the literature in individuals affected with DMD-related conditions. In summary, the available evidence is currently insufficient to determine the role of this variant in disease. Therefore, it has been classified as a Variant of Uncertain Significance. Advanced modeling of protein sequence and biophysical properties (such as structural, functional, and spatial information, amino acid conservation, physicochemical variation, residue mobility, and thermodynamic stability) performed at Invitae indicates that this missense variant is not expected to disrupt DMD protein function. This variant is not present in population databases (gnomAD no frequency). This sequence change replaces alanine, which is neutral and non-polar, with valine, which is neutral and non-polar, at codon 2428 of the DMD protein (p.Ala2428Val).

NM_004006.3(DMD):c.7283C>T (p.Ala2428Val)

Gene: DMD (dystrophin; minus strand). Cytogenetic location: Xp21.1.
Variant type: single nucleotide variant.
Coding change: c.7283C>T on transcript NM_004006.3 (MANE Select); coding-DNA position 7283, C replaced by T.
Protein change: p.Ala2428Val; replaces alanine 2428 with valine.
Molecular consequence: missense variant. On other transcripts: 5 prime UTR variant (5).
Genome position (GRCh38, 1-based): chrX:31,820,001, G>A on the plus strand (C>T on the coding strand, the complement: DMD is on the minus strand). VCF-style: chrX-31820001-G-A. GRCh37 (hg19) VCF-style: chrX-31838118-G-A.
Other names: c.7259C>T, p.Ala2420Val (NM_000109.4); c.7271C>T, p.Ala2424Val (NM_004009.3); c.6914C>T, p.Ala2305Val (NM_004010.3); c.3260C>T, p.Ala1087Val (NM_004011.4); c.3251C>T, p.Ala1084Val (NM_004012.4); c.-98C>T (NM_004013.3, NM_004020.4, NM_004021.3 and 2 more transcripts); short protein forms A2424V, A1084V, A2305V, A2420V, A1087V, A2428V.
Identifiers: ClinVar variation 2846274 (VCV002846274.3), dbSNP rs777276620, ClinGen allele CA412658495.